The following is an entry in ClinVar:

ClinVar aggregate classification (germline): Likely benign (1 of 4 stars; one submission).

Submission:

Molecular Diagnostic Laboratory for Inherited Cardiovascular Disease, Montreal Heart Institute
Classification: Likely benign. Last evaluated: 2026-03-27. Review status: criteria provided, single submitter. Criteria: ACMG Guidelines, 2015. Collection method: clinical testing. Allele origin: germline. Affected: no.
Comment: BP5

NM_001458.5(FLNC):c.2812-6C>T

Gene: FLNC (filamin C; plus strand). Cytogenetic location: 7q32.1.
Variant type: single nucleotide variant.
Coding change: c.2812-6C>T on transcript NM_001458.5 (MANE Select); 6 bases into the intron before coding-DNA position 2812, C replaced by T.
Molecular consequence: intron variant.
Genome position (GRCh38, 1-based): chr7:128,843,790, C>T. VCF-style: chr7-128843790-C-T. GRCh37 (hg19) VCF-style: chr7-128483844-C-T.
Other names: c.2812-6C>T (NM_001127487.2).
Identifiers: ClinVar variation 4820350 (VCV004820350.1).